The following is an entry in ClinVar:

NM_002439.5(MSH3):c.2389G>T (p.Glu797Ter)

Gene: MSH3 (mutS homolog 3; plus strand). Cytogenetic location: 5q14.1.
Variant type: single nucleotide variant.
Coding change: c.2389G>T on transcript NM_002439.5 (MANE Select); coding-DNA position 2389, G replaced by T.
Protein change: p.Glu797Ter; replaces glutamic acid 797 with a stop codon.
Molecular consequence: nonsense.
Genome position (GRCh38, 1-based): chr5:80,778,790, G>T. VCF-style: chr5-80778790-G-T. GRCh37 (hg19) VCF-style: chr5-80074609-G-T.
Other names: short protein forms E797*.
Identifiers: ClinVar variation 949139 (VCV000949139.13), dbSNP rs748016039, ClinGen allele CA3328239.

ClinVar aggregate classification (germline): Pathogenic/Likely pathogenic. Review status: criteria provided, multiple submitters, no conflicts (2 of 4 stars). 4 submissions from 4 submitters: Pathogenic (3); Likely pathogenic (1). Last evaluated 2025-06-10.

Conditions:
Familial adenomatous polyposis 4 (FAP4). Also called: MSH3-related attenuated familial adenomatous polyposis. Identifiers: Orphanet 480536, MedGen C4310719, MONDO:0044300, OMIM 617100.
Endometrial carcinoma. Also called: Endometrial carcinoma, somatic. Identifiers: MedGen C0476089, MONDO:0002447, OMIM 608089, HP:0012114.
Hereditary cancer-predisposing syndrome. Also called: Hereditary neoplastic syndrome; Neoplastic Syndromes, Hereditary; Tumor predisposition; Hereditary Cancer Syndrome. Identifiers: Orphanet 140162, MedGen C0027672, MeSH D009386, MONDO:0015356.

Allele frequency attached by ClinVar (database versions not stated): gnomAD exomes below 0.00001; ExAC 0.00001.
gnomAD v4.1: 1 of 1,612,380 alleles (0.000062%); highest among the groups gnomAD compares: Non-Finnish European, 0.000085%; no homozygotes.

Submissions (4):

Labcorp Genetics (formerly Invitae), Labcorp
Classification: Pathogenic. Last evaluated: 2025-06-10. Review status: criteria provided, single submitter. Criteria: Invitae Variant Classification Sherloc (09022015). Collection method: clinical testing. Allele origin: germline.
Comment: This sequence change creates a premature translational stop signal (p.Glu797*) in the MSH3 gene. It is expected to result in an absent or disrupted protein product. Loss-of-function variants in MSH3 are known to be pathogenic (PMID: 27476653, 37402566). This variant is present in population databases (rs748016039, gnomAD 0.0009%). This variant has not been reported in the literature in individuals affected with MSH3-related conditions. ClinVar contains an entry for this variant (Variation ID: 949139). RNA analysis performed to evaluate the impact of this premature translational stop signal on mRNA splicing indicates it does not significantly alter splicing (internal data). For these reasons, this variant has been classified as Pathogenic.

Ambry Genetics
Classification: Pathogenic for Hereditary cancer-predisposing syndrome. Last evaluated: 2025-01-02. Review status: criteria provided, single submitter. Criteria: Ambry Variant Classification Scheme 2023. Collection method: clinical testing. Allele origin: germline.
Comment: The p.E797* pathogenic mutation (also known as c.2389G>T), located in coding exon 17 of the MSH3 gene, results from a G to T substitution at nucleotide position 2389. This changes the amino acid from a glutamic acid to a stop codon within coding exon 17. This variant is considered to be rare based on population cohorts in the Genome Aggregation Database (gnomAD). This alteration is expected to result in loss of function by premature protein truncation or nonsense-mediated mRNA decay. As such, this alteration is interpreted as a disease-causing mutation.

Myriad Genetics, Inc.
Classification: Pathogenic for Familial adenomatous polyposis 4. Last evaluated: 2023-08-30. Review status: criteria provided, single submitter. Criteria: Myriad Autosomal Dominant, Autosomal Recessive and X-Linked Classification Criteria (2023). Collection method: clinical testing. Allele origin: unknown.
Comment: This variant is considered pathogenic. This variant creates a termination codon and is predicted to result in premature protein truncation.

Baylor Genetics
Classification: Likely pathogenic for Endometrial carcinoma. Last evaluated: 2022-02-15. Review status: criteria provided, single submitter. Criteria: ACMG Guidelines, 2015. Collection method: clinical testing. Allele origin: unknown.

Literature cited by the submitters: PubMed 27476653 (cited by Labcorp Genetics (formerly Invitae), Labcorp); PubMed 37402566 (cited by Labcorp Genetics (formerly Invitae), Labcorp).